The following is an entry in ClinVar:

ClinVar aggregate classification (germline): Conflicting classifications of pathogenicity. Review status: criteria provided, conflicting classifications (1 of 4 stars). 3 submissions from 3 submitters: Uncertain significance (2); Likely benign (1). Last evaluated 2025-01-13.

Conditions:
Primary ciliary dyskinesia. Also called: Ciliary dyskinesia. Identifiers: Orphanet 244, MedGen C0008780, MONDO:0016575, HP:0012265.

Allele frequency attached by ClinVar (database versions not stated): gnomAD exomes 0.00002 and 0.00004; gnomAD 0.00013 and 0.00014; 1000 Genomes Project 30x 0.00031; TOPMed 0.00031.
gnomAD v4.1: 64 of 1,585,236 alleles (0.004%); highest among the groups gnomAD compares: Admixed American, 0.052%; 1 homozygote.

Submissions (3):

Labcorp Genetics (formerly Invitae), Labcorp
Classification: Uncertain significance for Primary ciliary dyskinesia. Last evaluated: 2025-01-13. Review status: criteria provided, single submitter. Criteria: Invitae Variant Classification Sherloc (09022015). Collection method: clinical testing. Allele origin: germline.
Comment: This sequence change falls in intron 7 of the DNAH11 gene. It does not directly change the encoded amino acid sequence of the DNAH11 protein. It affects a nucleotide within the consensus splice site. This variant is present in population databases (no rsID available, gnomAD 0.03%). This variant has not been reported in the literature in individuals affected with DNAH11-related conditions. ClinVar contains an entry for this variant (Variation ID: 848220). Variants that disrupt the consensus splice site are a relatively common cause of aberrant splicing (PMID: 17576681, 9536098). Algorithms developed to predict the effect of sequence changes on RNA splicing suggest that this variant is not likely to affect RNA splicing. In summary, the available evidence is currently insufficient to determine the role of this variant in disease. Therefore, it has been classified as a Variant of Uncertain Significance.

Blueprint Genetics
Classification: Likely benign. Last evaluated: 2023-11-14. Review status: criteria provided, single submitter. Criteria: ACMG Guidelines, 2015. Collection method: clinical testing. Allele origin: germline.

Ambry Genetics
Classification: Uncertain significance for Primary ciliary dyskinesia. Last evaluated: 2014-09-14. Review status: criteria provided, single submitter. Criteria: Ambry Variant Classification Scheme 2023. Collection method: clinical testing. Allele origin: germline.
Comment: The c.1425+4T>C intronic variant results from a T to C substitution 4 nucleotides after coding exon 7 in the DNAH11 gene. This variant was not reported in population based cohorts in the following databases: Database of Single Nucleotide Polymorphisms (dbSNP) and 1000 Genomes Project. In the ESP, this variant was not observed in 5862 samples (11724 alleles) with coverage at this position. This nucleotide position is highly conserved in available vertebrate species. Using the BDGP and ESEfinder splice site prediction tools, this alteration is not predicted to have any significant effect on this donor splice site; however, direct evidence is unavailable. Since supporting evidence is limited at this time, the clinical significance of this variant remains unclear.

Literature cited by the submitters: PubMed 17576681 (cited by Labcorp Genetics (formerly Invitae), Labcorp); PubMed 9536098 (cited by Labcorp Genetics (formerly Invitae), Labcorp).

NM_001277115.2(DNAH11):c.1425+4T>C

Gene: DNAH11 (dynein axonemal heavy chain 11; plus strand). Cytogenetic location: 7p15.3.
Variant type: single nucleotide variant.
Coding change: c.1425+4T>C on transcript NM_001277115.2 (MANE Select); 4 bases into the intron after coding-DNA position 1425, T replaced by C.
Molecular consequence: intron variant.
Genome position (GRCh38, 1-based): chr7:21,570,303, T>C. VCF-style: chr7-21570303-T-C. GRCh37 (hg19) VCF-style: chr7-21609921-T-C.
Other names: c.1425+4T>C (NM_003777.3).
Identifiers: ClinVar variation 848220 (VCV000848220.9), dbSNP rs1034720999, ClinGen allele CA155059877.